The following is an entry in ClinVar:

NM_000021.4(PSEN1):c.1247T>C (p.Ile416Thr)

Gene: PSEN1 (presenilin 1; plus strand). Cytogenetic location: 14q24.2.
Variant type: single nucleotide variant.
Coding change: c.1247T>C on transcript NM_000021.4 (MANE Select); coding-DNA position 1247, T replaced by C.
Protein change: p.Ile416Thr; replaces isoleucine 416 with threonine.
Molecular consequence: missense variant.
Genome position (GRCh38, 1-based): chr14:73,217,243, T>C. VCF-style: chr14-73217243-T-C. GRCh37 (hg19) VCF-style: chr14-73683951-T-C.
Other names: c.1235T>C, p.Ile412Thr (NM_007318.3); short protein forms I412T, I416T.
Identifiers: ClinVar variation 1178342 (VCV001178342.4), dbSNP rs2140145565, ClinGen allele CA390305937.

ClinVar aggregate classification (germline): Pathogenic. Review status: criteria provided, multiple submitters, no conflicts (2 of 4 stars). 2 submissions from 2 submitters: Pathogenic (2). Last evaluated 2024-06-25.

Conditions:
Alzheimer disease 3 (AD3). Also called: ALZHEIMER DISEASE, FAMILIAL, 3. Identifiers: Orphanet 1020, MedGen C1843013, MONDO:0011913, OMIM 607822.
Pick disease. Also called: Pick Disease of the Brain; Pick's disease; PICK DISEASE OF BRAIN; LOBAR ATROPHY OF BRAIN; DEMENTIA WITH LOBAR ATROPHY AND NEURONAL CYTOPLASMIC INCLUSIONS. Identifiers: Orphanet 282, MedGen C0236642, MONDO:0008243, OMIM 172700.
Acne inversa, familial, 3 (ACNINV3). Identifiers: MedGen C3151038, MONDO:0013398, OMIM 613737.
Frontotemporal dementia (FTD1). Also called: Dementia, frontotemporal, with or without parkinsonism; Frontotemporal Dementia with Parkinsonism-17 (FTDP-17); FRONTOTEMPORAL LOBAR DEGENERATION WITH TAU INCLUSIONS; FTLD WITH TAU INCLUSIONS; MULTIPLE SYSTEM TAUOPATHY WITH PRESENILE DEMENTIA; FRONTOTEMPORAL DEMENTIA WITH PARKINSONISM. Identifiers: Orphanet 282, MedGen C0338451, MONDO:0017276, OMIM 600274, HP:0002145.

Submissions (2):

Labcorp Genetics (formerly Invitae), Labcorp
Classification: Pathogenic for Alzheimer disease 3; Pick disease; Acne inversa, familial, 3; Frontotemporal dementia. Last evaluated: 2024-06-25. Review status: criteria provided, single submitter. Criteria: Invitae Variant Classification Sherloc (09022015). Collection method: clinical testing. Allele origin: germline.
Comment: This sequence change replaces isoleucine, which is neutral and non-polar, with threonine, which is neutral and polar, at codon 416 of the PSEN1 protein (p.Ile416Thr). This variant is not present in population databases (gnomAD no frequency). This missense change has been observed in individual(s) with dementia (PMID: 30745123). It has also been observed to segregate with disease in related individuals. ClinVar contains an entry for this variant (Variation ID: 1178342). An algorithm developed to predict the effect of missense changes on protein structure and function (PolyPhen-2) suggests that this variant is likely to be disruptive. Experimental studies have shown that this missense change affects PSEN1 function (PMID: 37553376). For these reasons, this variant has been classified as Pathogenic.

Kosik Lab, Neuroscience Research Institute, University of California Santa Barbara
Classification: Pathogenic for Alzheimer disease 3. Last evaluated: 2021-06-01. Review status: criteria provided, single submitter. Criteria: ACMG Guidelines, 2015. Collection method: case-control. Allele origin: inherited. Inheritance: Autosomal dominant inheritance. Affected: yes. Observed: 22 variant alleles. Study: TANGL.
Comment: Variant segregates with the illness in the family where it was identified. ACMG criteria classifies the variant as Pathogenic (PS3, PS4, PM1, PM2, PM5, PP1, PP2, PP4)

Literature cited by the submitters: PubMed 30745123 (cited by Labcorp Genetics (formerly Invitae), Labcorp and Kosik Lab, Neuroscience Research Institute, University of California Santa Barbara); PubMed 37553376 (cited by Labcorp Genetics (formerly Invitae), Labcorp).